The following is an entry in ClinVar:

NM_014927.5(CNKSR2):c.1006A>G (p.Thr336Ala)

Gene: CNKSR2 (connector enhancer of kinase suppressor of Ras 2; plus strand). Cytogenetic location: Xp22.12.
Variant type: single nucleotide variant.
Coding change: c.1006A>G on transcript NM_014927.5 (MANE Select); coding-DNA position 1006, A replaced by G.
Protein change: p.Thr336Ala; replaces threonine 336 with alanine.
Molecular consequence: missense variant.
Genome position (GRCh38, 1-based): chrX:21,526,915, A>G. VCF-style: chrX-21526915-A-G. GRCh37 (hg19) VCF-style: chrX-21545033-A-G.
Other names: c.1006A>G, p.Thr336Ala (NM_001168647.3, NM_001168648.3, NM_001330773.2); c.859A>G, p.Thr287Ala (NM_001168649.3, NM_001330770.2, NM_001330771.2 and 1 more transcripts); short protein forms T287A, T336A.
Identifiers: ClinVar variation 3359701 (VCV003359701.2).
Genomic context (GRCh38, chrX:21,526,915, plus strand): 5'-CATTTTAACCAGCCTCTTATACCTAGAAGTCCCACAAGCAGCGTTGCCACGCCTTCCAGC[A>G]CCATCAGTACACCCACCAAAAGAGACAGTTCTGCCCTCCAGGATCTCTACATTCCCCCTC-3'
Protein context (NP_055742.2, residues 326-346): PTSSVATPSS[Thr336Ala]ISTPTKRDSS

ClinVar aggregate classification (germline): Uncertain significance (1 of 4 stars; one submission).

Submission:

GeneDx
Classification: Uncertain significance. Last evaluated: 2025-04-18. Review status: criteria provided, single submitter. Criteria: GeneDx Variant Classification Process June 2021. Collection method: clinical testing. Allele origin: germline.
Comment: Not observed at significant frequency in large population cohorts (gnomAD); In silico analysis supports that this missense variant has a deleterious effect on protein structure/function; Has not been previously published as pathogenic or benign to our knowledge